The following is an entry in ClinVar:

NM_006516.4(SLC2A1):c.724C>T (p.Gln242Ter)

Gene: SLC2A1 (solute carrier family 2 member 1; minus strand). Cytogenetic location: 1p34.2.
Variant type: single nucleotide variant.
Coding change: c.724C>T on transcript NM_006516.4 (MANE Select); coding-DNA position 724, C replaced by T.
Protein change: p.Gln242Ter; replaces glutamine 242 with a stop codon.
Molecular consequence: nonsense.
Genome position (GRCh38, 1-based): chr1:42,929,736, G>A on the plus strand (C>T on the coding strand, the complement: SLC2A1 is on the minus strand). VCF-style: chr1-42929736-G-A. GRCh37 (hg19) VCF-style: chr1-43395407-G-A.
Other names: short protein forms Q242*.
Identifiers: ClinVar variation 202196 (VCV000202196.5), dbSNP rs794729221, ClinGen allele CA019289.

ClinVar aggregate classification (germline): Pathogenic. Review status: criteria provided, multiple submitters, no conflicts (2 of 4 stars). 5 submissions from 5 submitters: Pathogenic (4). 1 of the submissions does not count toward it. Last evaluated 2026-04-23.

Conditions:
Inborn genetic diseases. Identifiers: MedGen C0950123, MeSH D030342.
Encephalopathy due to GLUT1 deficiency. Also called: GLUCOSE TRANSPORT DEFECT, BLOOD-BRAIN BARRIER; Glucose transporter protein syndrome; GLUT1 deficiency syndrome 1; GLUT1 deficiency syndrome 1, infantile onset, severe; Classic Glucose Transporter Type 1 Deficiency Syndrome; De Vivo disease. Identifiers: Orphanet 71277, MedGen C4551966, MONDO:0011724, OMIM 606777.
Childhood onset GLUT1 deficiency syndrome 2. Also called: PxMD-SLC2A1; PAROXYSMAL EXERCISE-INDUCED DYSKINESIA WITH OR WITHOUT EPILEPSY AND/OR HEMOLYTIC ANEMIA; PAROXYSMAL EXERTION-INDUCED DYSTONIA WITH OR WITHOUT EPILEPSY AND/OR HEMOLYTIC ANEMIA; PED WITH OR WITHOUT EPILEPSY AND/OR HEMOLYTIC ANEMIA; Paroxysmal exercise-induced dystonia; GLUT1 deficiency syndrome 2. Identifiers: Orphanet 98811, MedGen C1842534, MONDO:0012805, OMIM 612126.
Intellectual disability. Also called: Intellectual functioning disability; Intellectual developmental disorder; intellectual disabilities. Identifiers: MedGen C3714756, MeSH D008607, MONDO:0001071, HP:0001249.

Submissions (5):

Ambry Genetics
Classification: Pathogenic for Inborn genetic diseases. Last evaluated: 2026-04-23. Review status: criteria provided, single submitter. Criteria: Ambry Variant Classification Scheme 2023. Collection method: clinical testing. Allele origin: germline.
Comment: The c.724C>T (p.Q242*) alteration, located in exon 6 (coding exon 6) of the SLC2A1 gene, consists of a C to T substitution at nucleotide position 724. This changes the amino acid from a glutamine (Q) to a stop codon at amino acid position 242. This variant is expected to result in loss of function by premature protein truncation or nonsense-mediated mRNA decay. This variant was not reported in population-based cohorts in the Genome Aggregation Database (gnomAD). This variant was reported in individual(s) with features consistent with GLUT1 deficiency syndrome; in at least one individual, it was determined to be de novo (Redin, 2014; Nabatame, 2023; Zhang, 2025). Based on the available evidence, this alteration is classified as pathogenic.

Genome-Nilou Lab
Classification: Pathogenic for Encephalopathy due to GLUT1 deficiency. Last evaluated: 2023-04-11. Review status: criteria provided, single submitter. Criteria: ACMG Guidelines, 2015. Collection method: clinical testing. Allele origin: germline. Affected: no.

Baylor Genetics
Classification: Pathogenic for Childhood onset GLUT1 deficiency syndrome 2. Last evaluated: 2018-10-05. Review status: criteria provided, single submitter. Criteria: ACMG Guidelines, 2015. Collection method: clinical testing. Allele origin: de novo. Affected: yes.
Comment: This variant was determined to be pathogenic according to ACMG Guidelines, 2015 [PMID:25741868]. This variant has been previously reported as disease-causing [PMID 25167861]

Diagnostic Laboratory, Strasbourg University Hospital
Classification: Pathogenic for Intellectual disability. Last evaluated: 2014-07-25. Review status: criteria provided, single submitter. Criteria: submitter's publication. Collection method: clinical testing. Allele origin: de novo. Affected: yes. Observed: 1 variant allele, 1 heterozygote.

Mendelics
Classification: Pathogenic for Glucose transporter type 1 deficiency syndrome. Last evaluated: 2013-12-09. Review status: no assertion criteria provided. Collection method: clinical testing. Allele origin: unknown. Affected: yes. Not counted in ClinVar's aggregate classification.

Literature cited by the submitters: PubMed 25167861 (cited by Ambry Genetics and Baylor Genetics); PubMed 36965413 (cited by Ambry Genetics); PubMed 40048124 (cited by Ambry Genetics); PubMed 18606970 (cited by Mendelics); PubMed 20301603 (cited by Mendelics).